The following is an entry in ClinVar:

ClinVar aggregate classification (germline): Uncertain significance (1 of 4 stars; one submission).

Conditions:
Renal cell carcinoma. Identifiers: Orphanet 217071, MedGen C0007134, MeSH D002292, MONDO:0005086, HP:0005584.

Allele frequency attached by ClinVar (database versions not stated): gnomAD exomes below 0.00001.
gnomAD v4.1: 1 of 1,613,804 alleles (0.000062%); highest among the groups gnomAD compares: East Asian, 0.0022%; no homozygotes.

Submission:

Labcorp Genetics (formerly Invitae), Labcorp
Classification: Uncertain significance for Renal cell carcinoma. Last evaluated: 2022-04-29. Review status: criteria provided, single submitter. Criteria: Invitae Variant Classification Sherloc (09022015). Collection method: clinical testing. Allele origin: germline.
Comment: This variant has not been reported in the literature in individuals affected with MET-related conditions. This variant is not present in population databases (gnomAD no frequency). This sequence change replaces threonine, which is neutral and polar, with isoleucine, which is neutral and non-polar, at codon 696 of the MET protein (p.Thr696Ile). In summary, the available evidence is currently insufficient to determine the role of this variant in disease. Therefore, it has been classified as a Variant of Uncertain Significance. Algorithms developed to predict the effect of missense changes on protein structure and function are either unavailable or do not agree on the potential impact of this missense change (SIFT: "Tolerated"; PolyPhen-2: "Possibly Damaging"; Align-GVGD: "Class C0").

NM_000245.4(MET):c.2087C>T (p.Thr696Ile)

Gene: MET (MET proto-oncogene, receptor tyrosine kinase; plus strand). Cytogenetic location: 7q31.2.
Variant type: single nucleotide variant.
Coding change: c.2087C>T on transcript NM_000245.4 (MANE Select); coding-DNA position 2087, C replaced by T.
Protein change: p.Thr696Ile; replaces threonine 696 with isoleucine.
Molecular consequence: missense variant.
Genome position (GRCh38, 1-based): chr7:116,757,759, C>T. VCF-style: chr7-116757759-C-T. GRCh37 (hg19) VCF-style: chr7-116397813-C-T.
Other names: c.2087C>T, p.Thr696Ile (NM_001127500.3, NM_001324401.3); c.797C>T, p.Thr266Ile (NM_001324402.2); short protein forms T266I, T696I.
Identifiers: ClinVar variation 2199365 (VCV002199365.4), dbSNP rs750276956, ClinGen allele CA164893614.